The following is an entry in ClinVar:

NM_198129.4(LAMA3):c.7786_7789del (p.Glu2596fs)

Gene: LAMA3 (laminin subunit alpha 3; plus strand). Cytogenetic location: 18q11.2.
Variant type: Microsatellite.
Coding change: c.7786_7789del on transcript NM_198129.4 (MANE Select); coding-DNA positions 7786 to 7789, 4 bases deleted (GAAG; older notation c.7786_7789delGAAG).
Protein change: p.Glu2596fs; shifts the reading frame from glutamic acid 2596.
Molecular consequence: frameshift variant.
Genome position (GRCh38, 1-based): chr18:23,916,558-23,916,561, GAAG deleted; deleting any 4 consecutive bases within chr18:23,916,552-23,916,561 gives the same sequence; the c. name uses the placement nearest the transcript's 3' end. VCF-style (leftmost placement, unchanged base first): chr18-23916551-GAGGA-G. GRCh37 (hg19) VCF-style: chr18-21496515-GAGGA-G.
Other names: c.2959_2962del, p.Glu987fs (NM_000227.6); c.7618_7621del, p.Glu2540fs (NM_001127717.4); c.2791_2794del, p.Glu931fs (NM_001127718.4); short protein forms E2540fs, E2596fs, E931fs, E987fs.
Identifiers: ClinVar variation 2123817 (VCV002123817.4), dbSNP rs2511478140, ClinGen allele CA2580612959.

ClinVar aggregate classification (germline): Pathogenic (1 of 4 stars; one submission).

Submission:

Labcorp Genetics (formerly Invitae), Labcorp
Classification: Pathogenic. Last evaluated: 2022-04-09. Review status: criteria provided, single submitter. Criteria: Invitae Variant Classification Sherloc (09022015). Collection method: clinical testing. Allele origin: germline.
Comment: This sequence change creates a premature translational stop signal (p.Glu987Serfs*51) in the LAMA3 gene. It is expected to result in an absent or disrupted protein product. Loss-of-function variants in LAMA3 are known to be pathogenic (PMID: 10366601, 11810295, 12915477, 16473856, 17362460, 22434185, 23869449, 27827380, 28087116). This variant is not present in population databases (gnomAD no frequency). This variant has not been reported in the literature in individuals affected with LAMA3-related conditions. For these reasons, this variant has been classified as Pathogenic.

Literature cited by the submitters: PubMed 10366601; PubMed 11810295; PubMed 12915477; PubMed 16473856; PubMed 17362460; PubMed 22434185; PubMed 23869449; PubMed 27827380; PubMed 28087116.